The following is an entry in ClinVar:

NM_022437.3(ABCG8):c.860C>T (p.Thr287Met)

Gene: ABCG8 (ATP binding cassette subfamily G member 8; plus strand). Cytogenetic location: 2p21.
Variant type: single nucleotide variant.
Coding change: c.860C>T on transcript NM_022437.3 (MANE Select); coding-DNA position 860, C replaced by T.
Protein change: p.Thr287Met; replaces threonine 287 with methionine.
Molecular consequence: missense variant.
Genome position (GRCh38, 1-based): chr2:43,852,764, C>T. VCF-style: chr2-43852764-C-T. GRCh37 (hg19) VCF-style: chr2-44079903-C-T.
Other names: p.Thr287Met; c.860C>T, p.Thr287Met (NM_001357321.2); c.860C>T (NM_022437.2); short protein forms T287M.
Identifiers: ClinVar variation 594931 (VCV000594931.8), dbSNP rs201133496, ClinGen allele CA1637182.
Genomic context (GRCh38, chr2:43,852,764, plus strand): 5'-TCTCCCTCCACCAGCCTCGCTCTGACATCTTCAGGCTGTTTGATCTGGTCCTCCTGATGA[C>T]GTCTGGCACCCCCATCTACTTAGGGGCGGCCCAGCACATGGTCCAGTATTTCACAGCCAT-3'
Protein context (NP_071882.1, residues 277-297): FRLFDLVLLM[Thr287Met]SGTPIYLGAA

ClinVar aggregate classification (germline): Uncertain significance. Review status: criteria provided, multiple submitters, no conflicts (2 of 4 stars). 4 submissions from 4 submitters: Uncertain significance (4). Last evaluated 2026-05-01.

Conditions:
ABCG8-related disorder. Also called: ABCG8-related condition.
Sitosterolemia 1. Identifiers: MedGen C2749759, MONDO:0020747, OMIM 210250.

Allele frequency attached by ClinVar (database versions not stated): gnomAD 0.00001; ExAC 0.00002; gnomAD exomes 0.00003; TOPMed 0.00004.
gnomAD v4.1: 43 of 1,614,068 alleles (0.0027%); highest among the groups gnomAD compares: Non-Finnish European, 0.0034%; no homozygotes.

Submissions (4):

PreventionGenetics, part of Exact Sciences
Classification: Uncertain significance for ABCG8-related condition. Last evaluated: 2026-05-01. Review status: criteria provided, single submitter. Criteria: ACMG Guidelines, 2015. Collection method: clinical testing. Allele origin: germline.
Comment: The ABCG8 c.860C>T variant is predicted to result in the amino acid substitution p.Thr287Met. To our knowledge, this variant has not been reported in the literature. This variant is reported in 0.0062% of alleles in individuals of African descent in gnomAD. At this time, the clinical significance of this variant is uncertain due to the absence of conclusive functional and genetic evidence.

Revvity Omics, Revvity
Classification: Uncertain significance for Sitosterolemia 1. Last evaluated: 2024-10-23. Review status: criteria provided, single submitter. Criteria: ACMG Guidelines, 2015. Collection method: clinical testing. Allele origin: germline.

Mayo Clinic Laboratories, Mayo Clinic
Classification: Uncertain significance. Last evaluated: 2023-10-11. Review status: criteria provided, single submitter. Criteria: ACMG Guidelines, 2015. Collection method: clinical testing. Allele origin: germline. Observed: 1 variant allele.
Comment: BP4, PM2_moderate

Eurofins Ntd Llc (ga)
Classification: Uncertain significance. Last evaluated: 2017-11-09. Review status: criteria provided, single submitter. Criteria: EGL Classification Definitions 2015. Collection method: clinical testing. Allele origin: germline. Observed: 1 variant allele, 1 heterozygote.